The following is an entry in ClinVar:

NM_001161352.2(KCNMA1):c.1171A>G (p.Ile391Val)

Gene: KCNMA1 (potassium calcium-activated channel subfamily M alpha 1; minus strand). Cytogenetic location: 10q22.3.
Variant type: single nucleotide variant.
Coding change: c.1171A>G on transcript NM_001161352.2 (MANE Select); coding-DNA position 1171, A replaced by G.
Protein change: p.Ile391Val; replaces isoleucine 391 with valine.
Molecular consequence: missense variant.
Genome position (GRCh38, 1-based): chr10:77,108,533, T>C on the plus strand (A>G on the coding strand, the complement: KCNMA1 is on the minus strand). VCF-style: chr10-77108533-T-C. GRCh37 (hg19) VCF-style: chr10-78868291-T-C.
Other names: c.1171A>G, p.Ile391Val (NM_001014797.3, NM_001161353.2, NM_001271519.2 and 7 more transcripts); c.1009A>G, p.Ile337Val (NM_001271518.2); c.631A>G, p.Ile211Val (NM_001322838.2); short protein forms I211V, I337V, I391V.
Identifiers: ClinVar variation 1051254 (VCV001051254.11), dbSNP rs1402453017, ClinGen allele CA377408722.
Genomic context (GRCh38, chr10:77,108,533, plus strand): 5'-ATACTTACTTTCTTCCACTAACCGCACTATAGGAGCCCCCGTATTTCTTGCGGTTTCCTA[T>C]TAACTCTATGATTTCAGGGACGTAGCTGGCAAACATGGCCTGAGAAGATAGGAGACAGAA-3'
Protein context (NP_001154824.1, residues 381-401): ASYVPEIIEL[Ile391Val]GNRKKYGGSY

ClinVar aggregate classification (germline): Uncertain significance (1 of 4 stars; one submission).

Conditions:
Generalized epilepsy-paroxysmal dyskinesia syndrome (PNKD3). Also called: Paroxysmal nonkinesigenic dyskinesia, 3, with or without generalized epilepsy; Generalized epilepsy and paroxysmal dyskinesia. Identifiers: Orphanet 79137, MedGen C5574945, MONDO:0012276, OMIM 609446.

Submission:

Labcorp Genetics (formerly Invitae), Labcorp
Classification: Uncertain significance for Generalized epilepsy-paroxysmal dyskinesia syndrome. Last evaluated: 2020-01-20. Review status: criteria provided, single submitter. Criteria: Invitae Variant Classification Sherloc (09022015). Collection method: clinical testing. Allele origin: germline.
Comment: Algorithms developed to predict the effect of missense changes on protein structure and function (SIFT, PolyPhen-2, Align-GVGD) all suggest that this variant is likely to be tolerated, but these predictions have not been confirmed by published functional studies and their clinical significance is uncertain. This variant has not been reported in the literature in individuals with KCNMA1-related conditions. In summary, the available evidence is currently insufficient to determine the role of this variant in disease. Therefore, it has been classified as a Variant of Uncertain Significance. This variant is not present in population databases (ExAC no frequency). This sequence change replaces isoleucine with valine at codon 391 of the KCNMA1 protein (p.Ile391Val). The isoleucine residue is highly conserved and there is a small physicochemical difference between isoleucine and valine.